The following is an entry in ClinVar:

NM_000350.3(ABCA4):c.1749_1750del (p.Lys583fs)

Gene: ABCA4 (ATP binding cassette subfamily A member 4; minus strand). Cytogenetic location: 1p22.1.
Variant type: Deletion.
Coding change: c.1749_1750del on transcript NM_000350.3 (MANE Select); coding-DNA positions 1749 to 1750, 2 bases deleted (GA; older notation c.1749_1750delGA).
Protein change: p.Lys583fs; shifts the reading frame from lysine 583.
Molecular consequence: frameshift variant.
Genome position (GRCh38, 1-based): chr1:94,063,122-94,063,123, TC deleted on the plus strand (GA on the coding strand, the reverse complement: ABCA4 is on the minus strand); deleting any 2 consecutive bases within chr1:94,063,122-94,063,124 gives the same sequence; the c. name uses the placement nearest the transcript's 3' end. VCF-style (leftmost placement, unchanged base first): chr1-94063121-ATC-A. GRCh37 (hg19) VCF-style: chr1-94528677-ATC-A.
Other names: c.1748_1749delAG, p.Lys583Asnfs (NM_001425324.1); short protein forms K583fs.
Identifiers: ClinVar variation 1070817 (VCV001070817.11), dbSNP rs2101079015, ClinGen allele CA2499214894.

ClinVar aggregate classification (germline): Pathogenic/Likely pathogenic. Review status: criteria provided, multiple submitters, no conflicts (2 of 4 stars). 3 submissions from 3 submitters: Pathogenic (2); Likely pathogenic (1). Last evaluated 2022-03-17.

Conditions:
Severe early-childhood-onset retinal dystrophy (STGD1). Also called: Stargardt macular dystrophy; Juvenile onset macular degeneration; Stargardt disease 1; MACULAR DYSTROPHY WITH FLECKS, TYPE 1; STGD. Identifiers: Orphanet 364055, Orphanet 827, MedGen C1855465, MeSH D000080362, MONDO:0009549, OMIM 248200.
ABCA4-related disorder. Also called: ABCA4-related condition; ABCA4-related disorders. Identifiers: MedGen CN239167.

Submissions (3):

Labcorp Genetics (formerly Invitae), Labcorp
Classification: Pathogenic. Last evaluated: 2022-03-17. Review status: criteria provided, single submitter. Criteria: Invitae Variant Classification Sherloc (09022015). Collection method: clinical testing. Allele origin: germline.
Comment: This sequence change creates a premature translational stop signal (p.Lys583Asnfs*2) in the ABCA4 gene. It is expected to result in an absent or disrupted protein product. Loss-of-function variants in ABCA4 are known to be pathogenic (PMID: 10958761, 24938718, 25312043, 26780318). This variant is not present in population databases (gnomAD no frequency). This variant has not been reported in the literature in individuals affected with ABCA4-related conditions. ClinVar contains an entry for this variant (Variation ID: 1070817). For these reasons, this variant has been classified as Pathogenic.

Genome-Nilou Lab
Classification: Pathogenic for Severe early-childhood-onset retinal dystrophy. Last evaluated: 2021-03-26. Review status: criteria provided, single submitter. Criteria: ACMG Guidelines, 2015. Collection method: clinical testing. Allele origin: germline. Inheritance: Autosomal recessive inheritance. Affected: yes. Observed: 1 variant allele, 1 homozygote.
Comment: Loss of function is a known mechanism of disease. This variant predicted to undergo NMD.

Blueprint Genetics
Classification: Likely pathogenic for ABCA4-related disorders. Last evaluated: 2021-02-15. Review status: criteria provided, single submitter. Criteria: ACMG Guidelines, 2015. Collection method: clinical testing. Allele origin: germline. Affected: yes. Observed: 2 variant alleles.

Literature cited by the submitters: PubMed 10958761 (cited by Labcorp Genetics (formerly Invitae), Labcorp); PubMed 24938718 (cited by Labcorp Genetics (formerly Invitae), Labcorp); PubMed 25312043 (cited by Labcorp Genetics (formerly Invitae), Labcorp); PubMed 26780318 (cited by Labcorp Genetics (formerly Invitae), Labcorp).